The following continues an entry in ClinVar:

NM_007294.4(BRCA1):c.212+3A>G

Gene: BRCA1. ClinVar aggregate classification (germline): Pathogenic. Pathogenic (1).

Submissions 5 to 19 of 19:

All of Us Research Program, National Institutes of Health
Classification: Pathogenic for Breast-ovarian cancer, familial, susceptibility to, 1. Last evaluated: 2024-01-08. Review status: criteria provided, single submitter. Criteria: ACMG Guidelines, 2015. Collection method: clinical testing. Allele origin: germline. Inheritance: Autosomal dominant inheritance. Observed: 1 variant allele, 1 heterozygote. Not counted in ClinVar's aggregate classification.
Comment: This variant causes an A to G nucleotide substitution at the +3 position of intron 4 of the BRCA1 gene. Several RNA studies have reported that this variant results in the skipping of exon 4 and/or a partial deletion of exon 4, which are predicted to cause an in-frame deletion in the functionally important RING domain and frameshift, respectively (PMID: 12037674, 21673748, 22505045, 29021971). A functional study has reported that this variant impacts BRCA1 function in a haploid cell proliferation assay (PMID: 30209399). This variant has been reported in multiple individuals and families affected with breast and/or ovarian cancer (PMID: 9150151, 10090482, 15026808, 23199084, 28294317, 29487695). This variant also has been reported as a Belgian founder mutation that was also observed in other populations (PMID: 10595255, 23199084, 29021971). This variant has been identified in 1/31400 chromosomes in the general population by the Genome Aggregation Database (gnomAD). Loss of BRCA1 function is a known mechanism of disease. Based on the available evidence, this variant is classified as Pathogenic.

This study involves interpretation of variants in research participants for the purpose of population health screening. Participant phenotype was not available at the time of variant classification. Additional details can be found in publication PMID: 35346344, PMCID: PMC8962531

Color Diagnostics, LLC DBA Color Health
Classification: Pathogenic for Hereditary cancer-predisposing syndrome. Last evaluated: 2023-09-02. Review status: criteria provided, single submitter. Criteria: ACMG Guidelines, 2015. Collection method: clinical testing. Allele origin: germline. Not counted in ClinVar's aggregate classification.
Comment: This variant causes an A to G nucleotide substitution at the +3 position of intron 4 of the BRCA1 gene. Several RNA studies have reported that this variant results in the skipping of exon 4 and/or a partial deletion of exon 4, which are predicted to cause an in-frame deletion in the functionally important RING domain and frameshift, respectively (PMID: 12037674, 21673748, 22505045, 29021971). A functional study has reported that this variant impacts BRCA1 function in a haploid cell proliferation assay (PMID: 30209399). This variant has been reported in multiple individuals and families affected with breast and/or ovarian cancer (PMID: 9150151, 10090482, 15026808, 23199084, 28294317, 29487695). This variant also has been reported as a Belgian founder mutation that was also observed in other populations (PMID: 10595255, 23199084, 29021971). This variant has been identified in 1/31400 chromosomes in the general population by the Genome Aggregation Database (gnomAD). Loss of BRCA1 function is a known mechanism of disease. Based on the available evidence, this variant is classified as Pathogenic.

Baylor Genetics
Classification: Pathogenic for Breast-ovarian cancer, familial, susceptibility to, 1. Last evaluated: 2023-01-24. Review status: criteria provided, single submitter. Criteria: ACMG Guidelines, 2015. Collection method: clinical testing. Allele origin: unknown. Not counted in ClinVar's aggregate classification.

Laboratory for Molecular Medicine, Mass General Brigham Personalized Medicine
Classification: Pathogenic for Hereditary breast ovarian cancer syndrome. Last evaluated: 2020-04-02. Review status: criteria provided, single submitter. Criteria: ACMG Guidelines, 2015. Collection method: clinical testing. Allele origin: germline. Inheritance: Autosomal dominant inheritance. Not counted in ClinVar's aggregate classification.
Comment: The c.212+3A>G variant in BRCA1 has been reported in >15 families with hereditary breast and ovarian cancer and is a founder variant in the Belgian population (Claes 1999, Claes 2004, Bhaskaran 2019, Li 2018, Li 2019, Peelen 1997, Breast Information Core Database). This variant was classified as Pathogenic on August 10, 2015 by the ClinGen-approved ENIGMA expert panel (Variation ID 54467). It has also been identified in 0.006% (1/5430) of European chromosomes by gnomAD. In vitro mini-gene assay and RT-PCR on RNA from blood samples or lymphoblastoid cell lines showed increased in-frame skipping of exon 5 and out-of-frame skipping of the last 22 nucleotides of exon 5. Loss of function of the BRCA1 gene is an established disease mechanism in autosomal dominant hereditary breast and ovarian breast cancer. In summary, this variant meets criteria to be classified as pathogenic for autosomal dominant hereditary breast and ovarian cancer. ACMG/AMP Criteria applied: PS4, PM2, PS3_Moderate, PVS1_Moderate.

ARUP Laboratories, Molecular Genetics and Genomics, ARUP Laboratories
Classification: Pathogenic. Last evaluated: 2016-11-04. Review status: criteria provided, single submitter. Criteria: ARUP Molecular Germline Variant Investigation Process. Collection method: clinical testing. Allele origin: germline. Not counted in ClinVar's aggregate classification.

Consortium of Investigators of Modifiers of BRCA1/2 (CIMBA), c/o University of Cambridge
Classification: Pathogenic for Breast-ovarian cancer, familial, susceptibility to, 1. Last evaluated: 2015-10-02. Review status: criteria provided, single submitter. Criteria: CIMBA Mutation Classification guidelines May 2016. Collection method: clinical testing. Allele origin: germline. Not counted in ClinVar's aggregate classification.

Research Molecular Genetics Laboratory, Women's College Hospital, University of Toronto
Classification: Likely pathogenic for Hereditary breast ovarian cancer syndrome. Last evaluated: 2015-12-17. Review status: no assertion criteria provided. Collection method: research. Allele origin: germline. Affected: yes. Study: The Canadian Open Genetics Repository (COGR). Not counted in ClinVar's aggregate classification.

Foulkes Cancer Genetics LDI, Lady Davis Institute for Medical Research
Classification: Uncertain significance for Breast and/or ovarian cancer. Last evaluated: 2015-04-09. Review status: no assertion criteria provided. Collection method: clinical testing. Allele origin: germline. Study: The Canadian Open Genetics Repository (COGR). Not counted in ClinVar's aggregate classification.

Sharing Clinical Reports Project (SCRP)
Classification: Pathogenic for Breast-ovarian cancer, familial 1. Last evaluated: 2010-02-17. Review status: no assertion criteria provided. Collection method: clinical testing. Allele origin: germline. Not counted in ClinVar's aggregate classification.

Breast Cancer Information Core (BIC) (BRCA1)
No classification provided. Condition: Breast-ovarian cancer, familial 1. Review status: no classification provided. Collection method: clinical testing. Allele origin: germline, unknown. Affected: yes. Observed: 16 variant alleles. Not counted in ClinVar's aggregate classification.

Brotman Baty Institute, University of Washington
No classification provided (evidence only). Condition: Breast-ovarian cancer, familial 1. Review status: no classification provided. Collection method: in vitro. Allele origin: not applicable. Functional consequence: functionally_abnormal. Not counted in ClinVar's aggregate classification.
ClinVar note: "not provided" was previously submitted as the classification for the variant. However, the classification appeared to be based only on an observation of functional data so it was converted to no classification on 2025-07-30.

Center for Precision Medicine, Meizhou People's Hospital
Classification: Pathogenic for Familial cancer of breast. Review status: no assertion criteria provided. Collection method: literature only. Allele origin: germline. Affected: yes. Not counted in ClinVar's aggregate classification.

Department of Pathology and Laboratory Medicine, Sinai Health System
Classification: Pathogenic for Malignant tumor of breast. Review status: no assertion criteria provided. Collection method: clinical testing. Allele origin: unknown. Affected: yes. Study: The Canadian Open Genetics Repository (COGR). Not counted in ClinVar's aggregate classification.
Comment: The BRCA1 c.212+3A>G variant was identified in 2 of 1942 proband chromosomes (frequency: 0.001) from individuals or families with breast or ovarian cancer (Chen 2006, Kwong 2018). The variant was also identified in dbSNP (ID: rs80358083) as ""With Pathogenic allele"", ClinVar (classified as pathogenic by five submitters; as likely pathogenic by one submitter and uncertain significance by one submitter) and in LOVD 3.0 (99X as pathogenic). The variant was identified in control databases in 1 of 30976 chromosomes at a frequency of 0.00003 (Genome Aggregation Database Feb 27, 2017). The variant was observed in the European population in 1 of 15010 chromosomes (freq:0.00007), while the variant was not observed in the Other, Latino, European, Ashkenazi Jewish, Finnish, South Asian, African or East Asian populations. The c.212+3A>G variant is located in the 5' splice region but does not affect the invariant +1 and +2 positions. However, positions +3 to +6 are part of the splicing consensus sequence and variants involving these positions sometimes affect splicing. In addition, 3 of 4 in silico or computational prediction software programs (SpliceSiteFinder, MaxEntScan, NNSPLICE, GeneSplicer) predict a greater than 10% difference in splicing. Multiple splicing assay studies using RT-PCR analysis on RNA identify the variant causing in-frame skipping of exon 5 and out-of-frame skipping of the last 22 nucleotides of exon 5 (Houdayer 2012, Steffensen 2014, Thery 2011). In summary, based on the above information, this variant meets our laboratoryâ€šÃ„Ã´s criteria to be classified as pathogenic.

Diagnostic Laboratory, Department of Genetics, University Medical Center Groningen
Classification: Pathogenic. Review status: no assertion criteria provided. Collection method: clinical testing. Allele origin: germline. Affected: yes. Study: VKGL Data-share Consensus. Not counted in ClinVar's aggregate classification.

Joint Genome Diagnostic Labs from Nijmegen and Maastricht, Radboudumc and MUMC+
Classification: Pathogenic. Review status: no assertion criteria provided. Collection method: clinical testing. Allele origin: germline. Affected: yes. Study: VKGL Data-share Consensus. Not counted in ClinVar's aggregate classification.

Literature cited by the submitters: PubMed 9150151 (cited by 6 submitters); PubMed 10090482 (cited by 5 submitters); PubMed 10595255 (cited by 5 submitters); PubMed 15026808 (cited by 5 submitters); PubMed 16619214 (cited by Labcorp Genetics (formerly Invitae), Labcorp and Ambry Genetics); PubMed 28294317 (cited by 4 submitters); PubMed 21990134 (cited by Labcorp Genetics (formerly Invitae), Labcorp and Ambry Genetics); PubMed 17576681 (cited by Labcorp Genetics (formerly Invitae), Labcorp); PubMed 9536098 (cited by Labcorp Genetics (formerly Invitae), Labcorp); PubMed 21673748 (cited by 5 submitters); PubMed 24667779 (cited by 5 submitters); PubMed 30209399 (cited by 4 submitters); PubMed 29021971 (cited by 3 submitters); PubMed 11385711 (cited by Ambry Genetics); PubMed 11802209 (cited by Ambry Genetics); PubMed 17924331 (cited by Ambry Genetics and Laboratory for Molecular Medicine, Mass General Brigham Personalized Medicine); PubMed 20215541 (cited by Ambry Genetics); PubMed 22505045 (cited by 4 submitters); PubMed 23199084 (cited by 3 submitters); PubMed 23348723 (cited by Ambry Genetics); PubMed 23451180 (cited by Ambry Genetics); PubMed 24516540 (cited by Ambry Genetics); PubMed 8533757 (cited by Ambry Genetics); PubMed 12037674 (cited by All of Us Research Program, National Institutes of Health and Color Diagnostics, LLC DBA Color Health); PubMed 29487695 (cited by All of Us Research Program, National Institutes of Health and Color Diagnostics, LLC DBA Color Health); PubMed 30702160 (cited by Laboratory for Molecular Medicine, Mass General Brigham Personalized Medicine); PubMed 31472684 (cited by Laboratory for Molecular Medicine, Mass General Brigham Personalized Medicine); PubMed 30078507 (cited by Laboratory for Molecular Medicine, Mass General Brigham Personalized Medicine).